The following is an entry in ClinVar:

ClinVar aggregate classification (germline): Uncertain significance (1 of 4 stars; one submission).

Conditions:
Surfactant metabolism dysfunction, pulmonary, 4 (SMDP4). Also called: PAP DUE TO CSF2RA DEFICIENCY; PULMONARY ALVEOLAR PROTEINOSIS, CONGENITAL, 4; CSF2RA DEFICIENCY. Identifiers: Orphanet 264675, MedGen C2677877, MONDO:0010424, OMIM 300770.

Allele frequency attached by ClinVar (database versions not stated): gnomAD exomes 0.00001; ExAC 0.00002.
gnomAD v4.1: 4 of 1,613,916 alleles (0.00025%); highest among the groups gnomAD compares: Non-Finnish European, 0.00034%; no homozygotes.

Submission:

Labcorp Genetics (formerly Invitae), Labcorp
Classification: Uncertain significance for Surfactant metabolism dysfunction, pulmonary, 4. Last evaluated: 2022-06-24. Review status: criteria provided, single submitter. Criteria: Invitae Variant Classification Sherloc (09022015). Collection method: clinical testing. Allele origin: germline.
Comment: In summary, the available evidence is currently insufficient to determine the role of this variant in disease. Therefore, it has been classified as a Variant of Uncertain Significance. Algorithms developed to predict the effect of missense changes on protein structure and function are either unavailable or do not agree on the potential impact of this missense change (SIFT: "Tolerated"; PolyPhen-2: "Possibly Damaging"; Align-GVGD: "Class C0"). This variant has not been reported in the literature in individuals affected with CSF2RA-related conditions. This variant is present in population databases (no rsID available, gnomAD 0.004%). This sequence change replaces alanine, which is neutral and non-polar, with threonine, which is neutral and polar, at codon 290 of the CSF2RA protein (p.Ala290Thr).

NM_172245.4(CSF2RA):c.868G>A (p.Ala290Thr)

Gene: CSF2RA (colony stimulating factor 2 receptor subunit alpha; plus strand). Cytogenetic location: Xp22.33.
Variant type: single nucleotide variant.
Coding change: c.868G>A on transcript NM_172245.4 (MANE Select); coding-DNA position 868, G replaced by A.
Protein change: p.Ala290Thr; replaces alanine 290 with threonine.
Molecular consequence: missense variant. On other transcripts: intron variant (2).
Genome position (GRCh38, 1-based): chrX:1,300,548, G>A. VCF-style: chrX-1300548-G-A. GRCh37 (hg19) VCF-style: chrX-1419441-G-A.
Other names: c.868G>A, p.Ala290Thr (NM_001161529.2, NM_001161530.2, NM_001161531.2 and 18 more transcripts); c.469G>A, p.Ala157Thr (NM_001161532.2); c.838G>A, p.Ala280Thr (NM_001379160.1); c.647-4898G>A (NM_172249.4); c.854+1483G>A (NM_001379166.1); short protein forms A157T, A290T, A280T.
Identifiers: ClinVar variation 2010102 (VCV002010102.4), dbSNP rs746669534, ClinGen allele CA10331050.